The following is an entry in ClinVar:

ClinVar aggregate classification (germline): Conflicting classifications of pathogenicity. Review status: criteria provided, conflicting classifications (1 of 4 stars). 2 submissions from 2 submitters: Uncertain significance (1); Likely benign (1). Last evaluated 2025-12-23.

Conditions:
Inborn genetic diseases. Identifiers: MedGen C0950123, MeSH D030342.
TG-related disorder. Also called: TG-related disorders; TG-related condition.

Allele frequency attached by ClinVar (database versions not stated): ExAC 0.00002; gnomAD 0.00003; TOPMed 0.00006.
gnomAD v4.1: 27 of 1,613,982 alleles (0.0017%); highest among the groups gnomAD compares: African/African-American, 0.0093%; no homozygotes.

Submissions (2):

PreventionGenetics, part of Exact Sciences
Classification: Uncertain significance for TG-related condition. Last evaluated: 2025-12-23. Review status: criteria provided, single submitter. Criteria: ACMG Guidelines, 2015. Collection method: clinical testing. Allele origin: germline.
Comment: The TG c.4646G>A variant is predicted to result in the amino acid substitution p.Arg1549Gln. To our knowledge, this variant has not been reported in the literature. This variant is reported in 0.013% of alleles in individuals of South Asian descent in gnomAD. At this time, the clinical significance of this variant is uncertain due to the absence of conclusive functional and genetic evidence.

Ambry Genetics
Classification: Likely benign for Inborn genetic diseases. Last evaluated: 2022-04-25. Review status: criteria provided, single submitter. Criteria: Ambry Variant Classification Scheme 2023. Collection method: clinical testing. Allele origin: germline.

NM_003235.5(TG):c.4646G>A (p.Arg1549Gln)

Gene: TG (thyroglobulin; plus strand). Cytogenetic location: 8q24.22.
Variant type: single nucleotide variant.
Coding change: c.4646G>A on transcript NM_003235.5 (MANE Select); coding-DNA position 4646, G replaced by A.
Protein change: p.Arg1549Gln; replaces arginine 1549 with glutamine.
Molecular consequence: missense variant.
Genome position (GRCh38, 1-based): chr8:132,923,455, G>A. VCF-style: chr8-132923455-G-A. GRCh37 (hg19) VCF-style: chr8-133935700-G-A.
Other names: short protein forms R1549Q.
Identifiers: ClinVar variation 2236864 (VCV002236864.3), dbSNP rs780281439, ClinGen allele CA4884200.